The following is an entry in ClinVar:

NM_006258.4(PRKG1):c.1968A>G (p.Ala656=)

Gene: PRKG1 (protein kinase cGMP-dependent 1; plus strand). Cytogenetic location: 10q21.1.
Variant type: single nucleotide variant.
Coding change: c.1968A>G on transcript NM_006258.4 (MANE Select); coding-DNA position 1968, A replaced by G.
Protein change: p.Ala656=; no amino-acid change (alanine 656 retained).
Molecular consequence: synonymous variant.
Genome position (GRCh38, 1-based): chr10:52,293,807, A>G. VCF-style: chr10-52293807-A-G. GRCh37 (hg19) VCF-style: chr10-54053567-A-G.
Other names: c.1923A>G, p.Ala641= (NM_001098512.3, LRG_1135t2); c.1968A>G, p.Ala656= (LRG_1135t1).
Identifiers: ClinVar variation 509221 (VCV000509221.21), dbSNP rs564599393, ClinGen allele CA5504005.

ClinVar aggregate classification (germline): Likely benign. Review status: criteria provided, multiple submitters, no conflicts (2 of 4 stars). 6 submissions from 6 submitters: Likely benign (5). 1 of the submissions does not count toward it. Last evaluated 2026-04-01.

Conditions:
Aortic aneurysm, familial thoracic 8 (AAT8). Identifiers: MedGen C3809513, MONDO:0014187, OMIM 615436.
Familial thoracic aortic aneurysm and aortic dissection (TAAD). Also called: Thoracic aortic aneurysms and dissections. Identifiers: Orphanet 91387, MedGen C4707243, MONDO:0019625.
PRKG1-related disorder. Also called: PRKG1-related condition.

Allele frequency attached by ClinVar (database versions not stated): TOPMed 0.00012.
gnomAD v4.1: 125 of 1,612,106 alleles (0.0078%); highest among the groups gnomAD compares: Non-Finnish European, 0.0095%; no homozygotes.

Submissions (6):

CeGaT Center for Human Genetics Tuebingen
Classification: Likely benign. Last evaluated: 2026-04-01. Review status: criteria provided, single submitter. Criteria: CeGaT Center For Human Genetics Tuebingen Variant Classification Criteria Version 2. Collection method: clinical testing. Allele origin: germline. Affected: yes. Observed: 1 variant allele.
Comment: PRKG1: BP4, BP7

Labcorp Genetics (formerly Invitae), Labcorp
Classification: Likely benign for Aortic aneurysm, familial thoracic 8. Last evaluated: 2026-01-12. Review status: criteria provided, single submitter. Criteria: Invitae Variant Classification Sherloc (09022015). Collection method: clinical testing. Allele origin: germline.

Blueprint Genetics
Classification: Likely benign. Last evaluated: 2024-03-14. Review status: criteria provided, single submitter. Criteria: ACMG Guidelines, 2015. Collection method: clinical testing. Allele origin: germline.

Ambry Genetics
Classification: Likely benign for Familial thoracic aortic aneurysm and aortic dissection. Last evaluated: 2022-08-30. Review status: criteria provided, single submitter. Criteria: Ambry Variant Classification Scheme 2023. Collection method: clinical testing. Allele origin: germline.

GeneDx
Classification: Likely benign. Last evaluated: 2018-05-10. Review status: criteria provided, single submitter. Criteria: GeneDx Variant Classification Process June 2021. Collection method: clinical testing. Allele origin: germline. Affected: yes.

PreventionGenetics, part of Exact Sciences
Classification: Likely benign for PRKG1-related condition. Last evaluated: 2019-05-31. Review status: no assertion criteria provided. Collection method: clinical testing. Allele origin: germline. Not counted in ClinVar's aggregate classification.
Comment: This variant is classified as likely benign based on ACMG/AMP sequence variant interpretation guidelines (Richards et al. 2015 PMID: 25741868, with internal and published modifications).